The following is an entry in ClinVar:

ClinVar aggregate classification (germline): Uncertain significance (1 of 4 stars; one submission).

Submission:

Labcorp Genetics (formerly Invitae), Labcorp
Classification: Uncertain significance. Last evaluated: 2022-12-14. Review status: criteria provided, single submitter. Criteria: Invitae Variant Classification Sherloc (09022015). Collection method: clinical testing. Allele origin: germline.
Comment: This sequence change replaces glutamic acid, which is acidic and polar, with alanine, which is neutral and non-polar, at codon 75 of the BCL11B protein (p.Glu75Ala). This variant is not present in population databases (gnomAD no frequency). This variant has not been reported in the literature in individuals affected with BCL11B-related conditions. Advanced modeling of protein sequence and biophysical properties (such as structural, functional, and spatial information, amino acid conservation, physicochemical variation, residue mobility, and thermodynamic stability) performed at Invitae indicates that this missense variant is not expected to disrupt BCL11B protein function. In summary, the available evidence is currently insufficient to determine the role of this variant in disease. Therefore, it has been classified as a Variant of Uncertain Significance.

NM_138576.4(BCL11B):c.224A>C (p.Glu75Ala)

Gene: BCL11B (BCL11 transcription factor B; minus strand). Cytogenetic location: 14q32.2.
Variant type: single nucleotide variant.
Coding change: c.224A>C on transcript NM_138576.4 (MANE Select); coding-DNA position 224, A replaced by C.
Protein change: p.Glu75Ala; replaces glutamic acid 75 with alanine.
Molecular consequence: missense variant.
Genome position (GRCh38, 1-based): chr14:99,257,674, T>G on the plus strand (A>C on the coding strand, the complement: BCL11B is on the minus strand). VCF-style: chr14-99257674-T-G. GRCh37 (hg19) VCF-style: chr14-99724011-T-G.
Other names: c.221A>C, p.Glu74Ala (NM_001282237.2, NM_001282238.2); c.224A>C, p.Glu75Ala (NM_022898.3); short protein forms E74A, E75A.
Identifiers: ClinVar variation 2819906 (VCV002819906.3), dbSNP rs2503927333, ClinGen allele CA390939347.